The following is an entry in ClinVar:

ClinVar aggregate classification (germline): Uncertain significance. Review status: criteria provided, multiple submitters, no conflicts (2 of 4 stars). 4 submissions from 4 submitters: Uncertain significance (4). Last evaluated 2025-03-11.

Conditions:
Hereditary cancer-predisposing syndrome. Also called: Hereditary neoplastic syndrome; Neoplastic Syndromes, Hereditary; Hereditary Cancer Syndrome; Tumor predisposition. Identifiers: Orphanet 140162, MedGen C0027672, MeSH D009386, MONDO:0015356.
Endometrial carcinoma. Also called: Endometrial carcinoma, somatic. Identifiers: MedGen C0476089, MONDO:0002447, OMIM 608089, HP:0012114.

Allele frequency attached by ClinVar (database versions not stated): gnomAD exomes 0.00001 and 0.00002; TOPMed 0.00001; ExAC 0.00002; ESP Exome Variant Server 0.00015.
gnomAD v4.1: 8 of 1,614,182 alleles (0.0005%); highest among the groups gnomAD compares: East Asian, 0.0022%; no homozygotes.

Submissions (4):

Quest Diagnostics Nichols Institute San Juan Capistrano
Classification: Uncertain significance. Last evaluated: 2025-03-11. Review status: criteria provided, single submitter. Criteria: Quest Diagnostics criteria. Collection method: clinical testing. Allele origin: unknown.
Comment: The MSH3 c.953T>C (p.Ile318Thr) variant has not been reported in individuals with MSH3-related conditions in the published literature. The frequency of this variant in the general population (Genome Aggregation Database) is uninformative in the assessment of its pathogenicity. Analysis of this variant using bioinformatics tools for the prediction of the effect of amino acid changes on protein structure and function yielded predictions that this variant is benign. Based on the available information, we are unable to determine the clinical significance of this variant.

Labcorp Genetics (formerly Invitae), Labcorp
Classification: Uncertain significance. Last evaluated: 2025-02-02. Review status: criteria provided, single submitter. Criteria: Invitae Variant Classification Sherloc (09022015). Collection method: clinical testing. Allele origin: germline.
Comment: This sequence change replaces isoleucine, which is neutral and non-polar, with threonine, which is neutral and polar, at codon 318 of the MSH3 protein (p.Ile318Thr). This variant is present in population databases (rs149662421, gnomAD 0.006%). This variant has not been reported in the literature in individuals affected with MSH3-related conditions. ClinVar contains an entry for this variant (Variation ID: 657947). An algorithm developed to predict the effect of missense changes on protein structure and function (PolyPhen-2) suggests that this variant¬†is likely to be tolerated. In summary, the available evidence is currently insufficient to determine the role of this variant in disease. Therefore, it has been classified as a Variant of Uncertain Significance.

Ambry Genetics
Classification: Uncertain significance for Hereditary cancer-predisposing syndrome. Last evaluated: 2024-08-17. Review status: criteria provided, single submitter. Criteria: Ambry Variant Classification Scheme 2023. Collection method: clinical testing. Allele origin: germline.
Comment: The p.I318T variant (also known as c.953T>C), located in coding exon 6 of the MSH3 gene, results from a T to C substitution at nucleotide position 953. The isoleucine at codon 318 is replaced by threonine, an amino acid with similar properties. This amino acid position is conserved. In addition, this alteration is predicted to be tolerated by in silico analysis. Since supporting evidence is limited at this time, the clinical significance of this alteration remains unclear.

Baylor Genetics
Classification: Uncertain significance for Endometrial carcinoma. Last evaluated: 2023-10-22. Review status: criteria provided, single submitter. Criteria: ACMG Guidelines, 2015. Collection method: clinical testing. Allele origin: unknown.

NM_002439.5(MSH3):c.953T>C (p.Ile318Thr)

Genes: MSH3 (mutS homolog 3; plus strand), LOC126807437 (MED14-independent group 3 enhancer GRCh37_chr5:79968379-79969578; plus strand). Cytogenetic location: 5q14.1.
Variant type: single nucleotide variant.
Coding change: c.953T>C on transcript NM_002439.5 (MANE Select); coding-DNA position 953, T replaced by C.
Protein change: p.Ile318Thr; replaces isoleucine 318 with threonine.
Molecular consequence: missense variant.
Genome position (GRCh38, 1-based): chr5:80,672,784, T>C. VCF-style: chr5-80672784-T-C. GRCh37 (hg19) VCF-style: chr5-79968603-T-C.
Other names: short protein forms I318T.
Identifiers: ClinVar variation 657947 (VCV000657947.13), dbSNP rs149662421, ClinGen allele CA3327755.